The following is an entry in ClinVar:

ClinVar aggregate classification (germline): Uncertain significance (1 of 4 stars; one submission).

Allele frequency attached by ClinVar (database versions not stated): TOPMed 0.00001; ExAC below 0.00001; gnomAD 0.00001.
gnomAD v4.1: 5 of 1,588,528 alleles (0.00031%); highest among the groups gnomAD compares: South Asian, 0.0011%; no homozygotes.

Submission:

GeneDx
Classification: Uncertain significance. Last evaluated: 2017-04-17. Review status: criteria provided, single submitter. Criteria: GeneDx Variant Classification (06012015). Collection method: clinical testing. Allele origin: germline. Affected: yes.
Comment: The V819M variant has not been published as a pathogenic variant, nor has it been reported as a benign variant to our knowledge. The V819M variant is not observed in large population cohorts (Lek et al., 2016; 1000 Genomes Consortium et al., 2015; Exome Variant Server). This variant is a conservative amino acid substitution, which is not likely to impact secondary protein structure as these residues share similar properties. This substitution occurs at a position where amino acids with similar properties to Valine are tolerated across species. In silico analysis is inconsistent in its predictions as to whether or not the variant is damaging to the protein structure/function.

NM_201384.3(PLEC):c.2374G>A (p.Val792Met)

Gene: PLEC (plectin; minus strand). Cytogenetic location: 8q24.3.
Variant type: single nucleotide variant.
Coding change: c.2374G>A on transcript NM_201384.3 (MANE Select); coding-DNA position 2374, G replaced by A.
Protein change: p.Val792Met; replaces valine 792 with methionine.
Molecular consequence: missense variant.
Genome position (GRCh38, 1-based): chr8:143,930,467, C>T on the plus strand (G>A on the coding strand, the complement: PLEC is on the minus strand). VCF-style: chr8-143930467-C-T. GRCh37 (hg19) VCF-style: chr8-145004635-C-T.
Other names: c.2455G>A, p.Val819Met (NM_000445.5); c.2332G>A, p.Val778Met (NM_201378.4); c.2308G>A, p.Val770Met (NM_201379.3); c.2785G>A, p.Val929Met (NM_201380.4); c.2278G>A, p.Val760Met (NM_201381.3); c.2374G>A, p.Val792Met (NM_201382.4); c.2386G>A, p.Val796Met (NM_201383.3); short protein forms V760M, V770M, V778M, V792M, V796M, V819M, V929M.
Identifiers: ClinVar variation 426418 (VCV000426418.2), dbSNP rs782238465, ClinGen allele CA4927555.
Genomic context (GRCh38, chr8:143,930,467, plus strand): 5'-CGGCCAGCAGGGGCAGGCGGCCCCGCATGGGGTGGGCTGGGTGGCGGGGCTTCAGCTGCA[C>T]GACGGCCTTGGCCCGCTTGGCCAGGCCTGAGAGGTGGCCCTTGTACTCGTTCAGCTGTTC-3'
Protein context (NP_958786.1, residues 782-802): SGLAKRAKAV[Val792Met]QLKPRHPAHP